The following is an entry in ClinVar:

NM_001379286.1(ZNF423):c.40+33052G>A

Gene: ZNF423 (zinc finger protein 423; minus strand). Cytogenetic location: 16q12.1.
Variant type: single nucleotide variant.
Coding change: c.40+33052G>A on transcript NM_001379286.1 (MANE Select); 33052 bases into the intron after coding-DNA position 40, G replaced by A.
Molecular consequence: intron variant. On other transcripts: missense variant (1), initiator codon variant (1).
Genome position (GRCh38, 1-based): chr16:49,822,683, C>T on the plus strand (G>A on the coding strand, the complement: ZNF423 is on the minus strand). VCF-style: chr16-49822683-C-T. GRCh37 (hg19) VCF-style: chr16-49856594-C-T.
Other names: c.3G>A, p.Met1Ile (NM_015069.5); c.-164-33137G>A (NM_001271620.2); short protein forms M1I.
Identifiers: ClinVar variation 1520779 (VCV001520779.6), dbSNP rs762790858, ClinGen allele CA8047013.

ClinVar aggregate classification (germline): Uncertain significance. Review status: criteria provided, multiple submitters, no conflicts (2 of 4 stars). 3 submissions from 3 submitters: Uncertain significance (3). Last evaluated 2023-11-06.

Conditions:
Nephronophthisis 14 (NPHP14). Identifiers: Orphanet 2318, MedGen C3539071, MONDO:0013916, OMIM 614844.

Allele frequency attached by ClinVar (database versions not stated): gnomAD 0.00001; gnomAD exomes 0.00004 and 0.00008; ExAC 0.00010.
gnomAD v4.1: 22 of 1,612,060 alleles (0.0014%); highest among the groups gnomAD compares: Admixed American, 0.035%; no homozygotes.

Submissions (3):

Labcorp Genetics (formerly Invitae), Labcorp
Classification: Uncertain significance for Nephronophthisis 14. Last evaluated: 2023-11-06. Review status: criteria provided, single submitter. Criteria: Invitae Variant Classification Sherloc (09022015). Collection method: clinical testing. Allele origin: germline.
Comment: This sequence change affects the initiator methionine of the ZNF423 mRNA. The next in-frame methionine is located at codon 61. This variant is present in population databases (rs762790858, gnomAD 0.05%). This variant has not been reported in the literature in individuals affected with ZNF423-related conditions. ClinVar contains an entry for this variant (Variation ID: 1520779). Experimental studies and prediction algorithms are not available or were not evaluated, and the functional significance of this variant is currently unknown. In summary, the available evidence is currently insufficient to determine the role of this variant in disease. Therefore, it has been classified as a Variant of Uncertain Significance.

Department of Pathology and Laboratory Medicine, Sinai Health System
Classification: Uncertain significance for Nephronophthisis 14. Last evaluated: 2022-11-28. Review status: criteria provided, single submitter. Criteria: ACMG Guidelines, 2015. Collection method: research. Allele origin: germline.

Blueprint Genetics
Classification: Uncertain significance. Last evaluated: 2022-07-21. Review status: criteria provided, single submitter. Criteria: ACMG Guidelines, 2015. Collection method: clinical testing. Allele origin: germline.